The following is an entry in ClinVar:

NM_001146079.2(CLDN14):c.406G>A (p.Val136Ile)

Genes: CLDN14 (claudin 14; minus strand), CLDN14-AS1 (CLDN14 antisense RNA 1; plus strand). Cytogenetic location: 21q22.13.
Variant type: single nucleotide variant.
Coding change: c.406G>A on transcript NM_001146079.2 (MANE Select); coding-DNA position 406, G replaced by A.
Protein change: p.Val136Ile; replaces valine 136 with isoleucine.
Molecular consequence: missense variant.
Genome position (GRCh38, 1-based): chr21:36,461,290, C>T on the plus strand (G>A on the coding strand, the complement: CLDN14 is on the minus strand). VCF-style: chr21-36461290-C-T. GRCh37 (hg19) VCF-style: chr21-37833588-C-T.
Other names: c.406G>A, p.Val136Ile (NM_001146077.2, NM_001146078.3, NM_012130.4 and 1 more transcripts); c.406G>A (NM_001146077.1); short protein forms V136I.
Identifiers: ClinVar variation 287605 (VCV000287605.20), dbSNP rs140918123, ClinGen allele CA10019268.

ClinVar aggregate classification (germline): Conflicting classifications of pathogenicity. Review status: criteria provided, conflicting classifications (1 of 4 stars). 5 submissions from 5 submitters: Uncertain significance (2); Likely benign (2). 1 of the submissions does not count toward it. Last evaluated 2025-12-29.

Conditions:
CLDN14-related disorder. Also called: CLDN14-related condition.

Allele frequency attached by ClinVar (database versions not stated): ExAC 0.00046; 1000 Genomes Project 30x 0.00062; 1000 Genomes Project 0.00080; gnomAD 0.00112; TOPMed 0.00142; ESP Exome Variant Server 0.00200.
gnomAD v4.1: 459 of 1,613,772 alleles (0.028%); highest among the groups gnomAD compares: African/African-American, 0.48%; no homozygotes.

Submissions (5):

Labcorp Genetics (formerly Invitae), Labcorp
Classification: Likely benign. Last evaluated: 2025-12-29. Review status: criteria provided, single submitter. Criteria: Invitae Variant Classification Sherloc (09022015). Collection method: clinical testing. Allele origin: germline.

Blueprint Genetics
Classification: Uncertain significance. Last evaluated: 2024-07-06. Review status: criteria provided, single submitter. Criteria: ACMG Guidelines, 2015. Collection method: clinical testing. Allele origin: germline.

GeneDx
Classification: Likely benign. Last evaluated: 2019-10-31. Review status: criteria provided, single submitter. Criteria: GeneDx Variant Classification Process June 2021. Collection method: clinical testing. Allele origin: germline. Affected: yes.

Eurofins Ntd Llc (ga)
Classification: Uncertain significance. Last evaluated: 2018-06-20. Review status: criteria provided, single submitter. Criteria: EGL ClinVar v180209 classification definitions. Collection method: clinical testing. Allele origin: germline. Observed: 2 variant alleles, 2 heterozygotes.

PreventionGenetics, part of Exact Sciences
Classification: Likely benign for CLDN14-related condition. Last evaluated: 2023-09-06. Review status: no assertion criteria provided. Collection method: clinical testing. Allele origin: germline. Not counted in ClinVar's aggregate classification.
Comment: This variant is classified as likely benign based on ACMG/AMP sequence variant interpretation guidelines (Richards et al. 2015 PMID: 25741868, with internal and published modifications).